The following is an entry in ClinVar:

ClinVar aggregate classification (germline): Uncertain significance (1 of 4 stars; one submission).

Conditions:
Autosomal recessive limb-girdle muscular dystrophy type 2Y (MRRSDC). Also called: Muscular dystrophy, autosomal recessive, with rigid spine and distal joint contractures; Muscular dystrophy, limb-girdle, type 2y. Identifiers: Orphanet 424261, MedGen C4511482, MONDO:0014900, OMIM 617072.

Allele frequency attached by ClinVar (database versions not stated): gnomAD exomes below 0.00001.
gnomAD v4.1: 2 of 1,607,434 alleles (0.00012%); highest among the groups gnomAD compares: Non-Finnish European, 0.00017%; no homozygotes.

Submission:

Labcorp Genetics (formerly Invitae), Labcorp
Classification: Uncertain significance for Autosomal recessive limb-girdle muscular dystrophy type 2Y. Last evaluated: 2020-09-24. Review status: criteria provided, single submitter. Criteria: Invitae Variant Classification Sherloc (09022015). Collection method: clinical testing. Allele origin: germline.
Comment: In summary, the available evidence is currently insufficient to determine the role of this variant in disease. Therefore, it has been classified as a Variant of Uncertain Significance. This sequence change replaces leucine with isoleucine at codon 199 of the TOR1AIP1 protein (p.Leu199Ile). The leucine residue is weakly conserved and there is a small physicochemical difference between leucine and isoleucine. This variant is not present in population databases (ExAC no frequency). This variant has not been reported in the literature in individuals with TOR1AIP1-related conditions. Algorithms developed to predict the effect of missense changes on protein structure and function output the following: SIFT: "Tolerated"; PolyPhen-2: "Benign"; Align-GVGD: "Class C0". The isoleucine amino acid residue is found in multiple mammalian species, suggesting that this missense change does not adversely affect protein function. These predictions have not been confirmed by published functional studies and their clinical significance is uncertain.

NM_015602.4(TOR1AIP1):c.592C>A (p.Leu198Ile)

Gene: TOR1AIP1 (torsin 1A interacting protein 1; plus strand). Cytogenetic location: 1q25.2.
Variant type: single nucleotide variant.
Coding change: c.592C>A on transcript NM_015602.4 (MANE Select); coding-DNA position 592, C replaced by A.
Protein change: p.Leu198Ile; replaces leucine 198 with isoleucine.
Molecular consequence: missense variant.
Genome position (GRCh38, 1-based): chr1:179,889,351, C>A. VCF-style: chr1-179889351-C-A. GRCh37 (hg19) VCF-style: chr1-179858486-C-A.
Other names: c.595C>A, p.Leu199Ile (NM_001267578.2); short protein forms L198I, L199I.
Identifiers: ClinVar variation 1002849 (VCV001002849.5), dbSNP rs1647995889, ClinGen allele CA343580931.
Genomic context (GRCh38, chr1:179,889,351, plus strand): 5'-TTTTCTCTTCCTATATTAGCAGTGAGTGAAGATCTTGTAATCAGGTTACGTCGACCCCCT[C>A]TAAGATACCCAAGATATGGTAAGAGATTGTTTGTCTGTTGGTTTACCTTTGTTATAAATA-3'
Protein context (NP_056417.2, residues 188-208): DLVIRLRRPP[Leu198Ile]RYPRYEATSV